The following is an entry in ClinVar:

NM_024675.4(PALB2):c.567A>G (p.Arg189=)

Gene: PALB2 (partner and localizer of BRCA2; minus strand). Cytogenetic location: 16p12.2.
Variant type: single nucleotide variant.
Coding change: c.567A>G on transcript NM_024675.4 (MANE Select); coding-DNA position 567, A replaced by G.
Protein change: p.Arg189=; no amino-acid change (arginine 189 retained).
Molecular consequence: synonymous variant.
Genome position (GRCh38, 1-based): chr16:23,635,979, T>C on the plus strand (A>G on the coding strand, the complement: PALB2 is on the minus strand). VCF-style: chr16-23635979-T-C. GRCh37 (hg19) VCF-style: chr16-23647300-T-C.
Identifiers: ClinVar variation 1152247 (VCV001152247.12), dbSNP rs1597098858, ClinGen allele CA494461778.

ClinVar aggregate classification (germline): Conflicting classifications of pathogenicity. Review status: criteria provided, conflicting classifications (1 of 4 stars). 3 submissions from 3 submitters: Uncertain significance (1); Likely benign (2). Last evaluated 2023-06-26.

Conditions:
Hereditary cancer-predisposing syndrome. Also called: Hereditary neoplastic syndrome; Hereditary Cancer Syndrome; Tumor predisposition; Neoplastic Syndromes, Hereditary. Identifiers: Orphanet 140162, MedGen C0027672, MeSH D009386, MONDO:0015356.
Familial cancer of breast. Also called: hereditary breast carcinoma; BREAST CANCER, FAMILIAL; Hereditary breast cancer. Identifiers: Orphanet 227535, MedGen C0346153, MONDO:0016419, OMIM 114480. Disease mechanism: loss of function.

Submissions (3):

Color Diagnostics, LLC DBA Color Health
Classification: Uncertain significance for Hereditary cancer-predisposing syndrome. Last evaluated: 2023-06-26. Review status: criteria provided, single submitter. Criteria: ACMG Guidelines, 2015. Collection method: clinical testing. Allele origin: germline.
Comment: This variant is located in the PALB2 protein. To our knowledge, functional studies have not been reported for this variant. This variant has not been reported in individuals affected with PALB2-related disorders in the literature. This variant has not been identified in the general population by the Genome Aggregation Database (gnomAD). The available evidence is insufficient to determine the role of this variant in disease conclusively. Therefore, this variant is classified as a Variant of Uncertain Significance.

Labcorp Genetics (formerly Invitae), Labcorp
Classification: Likely benign for Familial cancer of breast. Last evaluated: 2022-10-18. Review status: criteria provided, single submitter. Criteria: Invitae Variant Classification Sherloc (09022015). Collection method: clinical testing. Allele origin: germline.

Blueprint Genetics
Classification: Likely benign. Last evaluated: 2022-08-02. Review status: criteria provided, single submitter. Criteria: ACMG Guidelines, 2015. Collection method: clinical testing. Allele origin: germline.